The following is an entry in ClinVar:

NM_001561.6(TNFRSF9):c.573del (p.Ala193fs)

Gene: TNFRSF9 (TNF receptor superfamily member 9; minus strand). Cytogenetic location: 1p36.23.
Variant type: Deletion.
Coding change: c.573del on transcript NM_001561.6 (MANE Select); coding-DNA position 573, one base deleted (T; older notation c.573delT).
Protein change: p.Ala193fs; shifts the reading frame from alanine 193.
Molecular consequence: frameshift variant.
Genome position (GRCh38, 1-based): chr1:7,933,268, A deleted on the plus strand (T on the coding strand, the reverse complement: TNFRSF9 is on the minus strand); the first of 3 consecutive A bases (chr1:7,933,268-7,933,270); deleting any one gives the same sequence. VCF-style (leftmost placement, unchanged base first): chr1-7933267-GA-G. GRCh37 (hg19) VCF-style: chr1-7993327-GA-G.
Other names: short protein forms A193fs.
Identifiers: ClinVar variation 1430778 (VCV001430778.8), dbSNP rs1639761448, ClinGen allele CA998310971.

ClinVar aggregate classification (germline): Pathogenic/Likely pathogenic. Review status: criteria provided, multiple submitters, no conflicts (2 of 4 stars). 2 submissions from 2 submitters: Pathogenic (1); Likely pathogenic (1). Last evaluated 2022-09-29.

Conditions:
TNFRSF9-related disorder. Also called: TNFRSF9-related condition.

Submissions (2):

Greenwood Genetic Center Diagnostic Laboratories, Greenwood Genetic Center
Classification: Likely pathogenic for TNFRSF9-related disorder. Last evaluated: 2022-09-29. Review status: criteria provided, single submitter. Criteria: ACMG Guidelines, 2015. Collection method: clinical testing. Allele origin: germline. Affected: yes.
Comment: PVS1, PM2

Labcorp Genetics (formerly Invitae), Labcorp
Classification: Pathogenic. Last evaluated: 2022-09-01. Review status: criteria provided, single submitter. Criteria: Invitae Variant Classification Sherloc (09022015). Collection method: clinical testing. Allele origin: germline.
Comment: For these reasons, this variant has been classified as Pathogenic. ClinVar contains an entry for this variant (Variation ID: 1430778). This variant has not been reported in the literature in individuals affected with TNFRSF9-related conditions. This variant is not present in population databases (gnomAD no frequency). This sequence change creates a premature translational stop signal (p.Ala193Argfs*2) in the TNFRSF9 gene. It is expected to result in an absent or disrupted protein product. Loss-of-function variants in TNFRSF9 are known to be pathogenic (PMID: 30872117, 31501153).

Literature cited by the submitters: PubMed 30872117 (cited by Labcorp Genetics (formerly Invitae), Labcorp); PubMed 31501153 (cited by Labcorp Genetics (formerly Invitae), Labcorp).